The following is an entry in ClinVar:

ClinVar aggregate classification (germline): Uncertain significance (1 of 4 stars; one submission).

Conditions:
Spastic paraplegia. Identifiers: MedGen C0037772, HP:0001258.

Allele frequency attached by ClinVar (database versions not stated): TOPMed below 0.00001; gnomAD 0.00001; gnomAD exomes 0.00001; ExAC 0.00002.
gnomAD v4.1: 11 of 1,610,406 alleles (0.00068%); highest among the groups gnomAD compares: Non-Finnish European, 0.00093%; no homozygotes.

Submission:

Labcorp Genetics (formerly Invitae), Labcorp
Classification: Uncertain significance for Spastic paraplegia. Last evaluated: 2023-04-09. Review status: criteria provided, single submitter. Criteria: Invitae Variant Classification Sherloc (09022015). Collection method: clinical testing. Allele origin: germline.
Comment: In summary, the available evidence is currently insufficient to determine the role of this variant in disease. Therefore, it has been classified as a Variant of Uncertain Significance. Advanced modeling of protein sequence and biophysical properties (such as structural, functional, and spatial information, amino acid conservation, physicochemical variation, residue mobility, and thermodynamic stability) has been performed at Invitae for this missense variant, however the output from this modeling did not meet the statistical confidence thresholds required to predict the impact of this variant on GJC2 protein function. ClinVar contains an entry for this variant (Variation ID: 965075). This variant has not been reported in the literature in individuals affected with GJC2-related conditions. This variant is present in population databases (rs765571379, gnomAD 0.003%). This sequence change replaces arginine, which is basic and polar, with serine, which is neutral and polar, at codon 431 of the GJC2 protein (p.Arg431Ser).

NM_020435.4(GJC2):c.1293G>C (p.Arg431Ser)

Gene: GJC2 (gap junction protein gamma 2; plus strand). Cytogenetic location: 1q42.13.
Variant type: single nucleotide variant.
Coding change: c.1293G>C on transcript NM_020435.4 (MANE Select); coding-DNA position 1293, G replaced by C.
Protein change: p.Arg431Ser; replaces arginine 431 with serine.
Molecular consequence: missense variant.
Genome position (GRCh38, 1-based): chr1:228,159,051, G>C. VCF-style: chr1-228159051-G-C. GRCh37 (hg19) VCF-style: chr1-228346752-G-C.
Other names: short protein forms R431S.
Identifiers: ClinVar variation 965075 (VCV000965075.9), dbSNP rs765571379, ClinGen allele CA1430982.